The following is an entry in ClinVar:

NM_000465.4(BARD1):c.803A>G (p.Glu268Gly)

Gene: BARD1 (BRCA1 associated RING domain 1; minus strand). Cytogenetic location: 2q35.
Variant type: single nucleotide variant.
Coding change: c.803A>G on transcript NM_000465.4 (MANE Select); coding-DNA position 803, A replaced by G.
Protein change: p.Glu268Gly; replaces glutamic acid 268 with glycine.
Molecular consequence: missense variant. On other transcripts: non-coding transcript variant (2), intron variant (3).
Genome position (GRCh38, 1-based): chr2:214,781,071, T>C on the plus strand (A>G on the coding strand, the complement: BARD1 is on the minus strand). VCF-style: chr2-214781071-T-C. GRCh37 (hg19) VCF-style: chr2-215645795-T-C.
Other names: c.746A>G, p.Glu249Gly (NM_001282543.2); c.158+28341A>G (NM_001282548.2); c.215+15990A>G (NM_001282545.2); c.364+11226A>G (NM_001282549.2); c.803A>G (NM_000465.2); short protein forms E249G, E268G.
Identifiers: ClinVar variation 1358898 (VCV001358898.8), dbSNP rs910515761, ClinGen allele CA64788583.
Genomic context (GRCh38, chr2:214,781,071, plus strand): 5'-GACTCTATTTGCTCAGCCAATGGTAAAGAGACTTCAGTTAAACTTCCAAAACATTCAGAT[T>C]CTGTCAAGGAGCCACTTGCTAGTAAGTCTATTTCACCATTTATCTGAGGACTGGAGATAA-3'
Protein context (NP_000456.2, residues 258-278): IDLLASGSLT[Glu268Gly]SECFGSLTEV

ClinVar aggregate classification (germline): Uncertain significance. Review status: criteria provided, multiple submitters, no conflicts (2 of 4 stars). 2 submissions from 2 submitters: Uncertain significance (2). Last evaluated 2024-01-27.

Conditions:
Hereditary cancer-predisposing syndrome. Also called: Tumor predisposition; Hereditary neoplastic syndrome; Neoplastic Syndromes, Hereditary; Hereditary Cancer Syndrome. Identifiers: Orphanet 140162, MedGen C0027672, MeSH D009386, MONDO:0015356.
Familial cancer of breast. Also called: Hereditary breast cancer; BREAST CANCER, FAMILIAL; hereditary breast carcinoma. Identifiers: Orphanet 227535, MedGen C0346153, MONDO:0016419, OMIM 114480. Disease mechanism: loss of function.

Submissions (2):

Ambry Genetics
Classification: Uncertain significance for Hereditary cancer-predisposing syndrome. Last evaluated: 2024-01-27. Review status: criteria provided, single submitter. Criteria: Ambry Variant Classification Scheme 2023. Collection method: clinical testing. Allele origin: germline.
Comment: The p.E268G variant (also known as c.803A>G), located in coding exon 4 of the BARD1 gene, results from an A to G substitution at nucleotide position 803. The glutamic acid at codon 268 is replaced by glycine, an amino acid with similar properties. This amino acid position is conserved. In addition, this alteration is predicted to be tolerated by in silico analysis. Based on the available evidence, the clinical significance of this alteration remains unclear.

Labcorp Genetics (formerly Invitae), Labcorp
Classification: Uncertain significance for Familial cancer of breast. Last evaluated: 2021-12-08. Review status: criteria provided, single submitter. Criteria: Invitae Variant Classification Sherloc (09022015). Collection method: clinical testing. Allele origin: germline.
Comment: In summary, the available evidence is currently insufficient to determine the role of this variant in disease. Therefore, it has been classified as a Variant of Uncertain Significance. Algorithms developed to predict the effect of missense changes on protein structure and function are either unavailable or do not agree on the potential impact of this missense change (SIFT: "Deleterious"; PolyPhen-2: "Possibly Damaging"; Align-GVGD: "Class C0"). This variant has not been reported in the literature in individuals affected with BARD1-related conditions. This variant is not present in population databases (gnomAD no frequency). This sequence change replaces glutamic acid, which is acidic and polar, with glycine, which is neutral and non-polar, at codon 268 of the BARD1 protein (p.Glu268Gly).